The following is an entry in ClinVar:

ClinVar aggregate classification (germline): Likely benign. Review status: criteria provided, single submitter (1 of 4 stars). 2 submissions from 2 submitters: Likely benign (1). 1 of the submissions does not count toward it. Last evaluated 2025-06-13.

Conditions:
TCF12-related disorder. Also called: TCF12-related condition.

Allele frequency attached by ClinVar (database versions not stated): 1000 Genomes Project 0.00060; TOPMed 0.00054; 1000 Genomes Project 30x 0.00062; ExAC 0.00002; gnomAD 0.00021.
gnomAD v4.1: 61 of 1,613,800 alleles (0.0038%); highest among the groups gnomAD compares: Admixed American, 0.08%; no homozygotes.

Submissions (2):

Labcorp Genetics (formerly Invitae), Labcorp
Classification: Likely benign. Last evaluated: 2025-06-13. Review status: criteria provided, single submitter. Criteria: Invitae Variant Classification Sherloc (09022015). Collection method: clinical testing. Allele origin: germline.

PreventionGenetics, part of Exact Sciences
Classification: Likely benign for TCF12-related condition. Last evaluated: 2022-10-10. Review status: no assertion criteria provided. Collection method: clinical testing. Allele origin: germline. Not counted in ClinVar's aggregate classification.
Comment: This variant is classified as likely benign based on ACMG/AMP sequence variant interpretation guidelines (Richards et al. 2015 PMID: 25741868, with internal and published modifications).

NM_207037.2(TCF12):c.1185C>G (p.Ser395=)

Gene: TCF12 (transcription factor 12; plus strand). Cytogenetic location: 15q21.3.
Variant type: single nucleotide variant.
Coding change: c.1185C>G on transcript NM_207037.2 (MANE Select); coding-DNA position 1185, C replaced by G.
Protein change: p.Ser395=; no amino-acid change (serine 395 retained).
Molecular consequence: synonymous variant.
Genome position (GRCh38, 1-based): chr15:57,251,420, C>G. VCF-style: chr15-57251420-C-G. GRCh37 (hg19) VCF-style: chr15-57543618-C-G.
Other names: c.1185C>G (NM_207036.1); c.675C>G, p.Ser225= (NM_001306219.3, NM_207040.2); c.477C>G, p.Ser159= (NM_001306220.3); c.1185C>G, p.Ser395= (NM_001322151.2, NM_001322152.2, NM_001322157.3 and 7 more transcripts); c.528C>G, p.Ser176= (NM_001322154.2); c.1011C>G, p.Ser337= (NM_001322156.2, NM_001322158.2); c.1221C>G, p.Ser407= (NM_001322164.2).
Identifiers: ClinVar variation 2893132 (VCV002893132.5), dbSNP rs184766827, ClinGen allele CA7581174.
Genomic context (GRCh38, chr15:57,251,420, plus strand): 5'-GTGGCCAAGACCTGGAGGGCAAGCACCTTCATCCCCAAGCTATGAAAACTCACTCCACTC[C>G]CTGGTAAGAGCCTCTTATACATCAGTTTTATCTGATAGCTTAGAGTTTGTTTGTTTTTGG-3'
Protein context (NP_996920.1, residues 385-405): SSPSYENSLH[Ser395=]LKNRVEQQLH